The following is an entry in ClinVar:

ClinVar aggregate classification (germline): Uncertain significance (1 of 4 stars; one submission).

gnomAD v4.1: 8 of 1,614,068 alleles (0.0005%); highest among the groups gnomAD compares: Non-Finnish European, 0.00059%; no homozygotes.

Submission:

GeneDx
Classification: Uncertain significance. Last evaluated: 2024-08-16. Review status: criteria provided, single submitter. Criteria: GeneDx Variant Classification Process June 2021. Collection method: clinical testing. Allele origin: germline. Affected: yes.
Comment: Not observed at significant frequency in large population cohorts (gnomAD); In silico analysis supports that this missense variant has a deleterious effect on protein structure/function; Has not been previously published as pathogenic or benign to our knowledge

NM_032634.4(PIGO):c.1360G>T (p.Gly454Cys)

Gene: PIGO (phosphatidylinositol glycan anchor biosynthesis class O; minus strand). Cytogenetic location: 9p13.3.
Variant type: single nucleotide variant.
Coding change: c.1360G>T on transcript NM_032634.4 (MANE Select); coding-DNA position 1360, G replaced by T.
Protein change: p.Gly454Cys; replaces glycine 454 with cysteine.
Molecular consequence: missense variant. On other transcripts: intron variant (2).
Genome position (GRCh38, 1-based): chr9:35,092,527, C>A on the plus strand (G>T on the coding strand, the complement: PIGO is on the minus strand). VCF-style: chr9-35092527-C-A. GRCh37 (hg19) VCF-style: chr9-35092524-C-A.
Other names: c.1344+16G>T (NM_152850.4, NM_001201484.2); short protein forms G454C.
Identifiers: ClinVar variation 3730991 (VCV003730991.1).